The following is an entry in ClinVar:

ClinVar aggregate classification (germline): Likely benign. Review status: criteria provided, multiple submitters, no conflicts (2 of 4 stars). 3 submissions from 3 submitters: Likely benign (3). Last evaluated 2025-03-31.

Conditions:
Neuronopathy, distal hereditary motor, autosomal recessive 4. Also called: Autosomal recessive lower motor neuron disease with childhood onset; NEUROPATHY, DISTAL HEREDITARY MOTOR, AUTOSOMAL RECESSIVE 4. Identifiers: Orphanet 206580, MedGen C1970211, MONDO:0012608, OMIM 611067.
Charcot-Marie-Tooth disease recessive intermediate C. Also called: CHARCOT-MARIE-TOOTH NEUROPATHY, RECESSIVE INTERMEDIATE C. Identifiers: Orphanet 369867, MedGen C3809309, MONDO:0014154, OMIM 615376.
Inborn genetic diseases. Identifiers: MedGen C0950123, MeSH D030342.

Allele frequency attached by ClinVar (database versions not stated): gnomAD exomes 0.00002 and 0.00012; 1000 Genomes Project 30x 0.00016; gnomAD 0.00026 and 0.00029; TOPMed 0.00029; ExAC 0.00032; ESP Exome Variant Server 0.00039.
gnomAD v4.1: 82 of 1,560,370 alleles (0.0053%); highest among the groups gnomAD compares: African/African-American, 0.08%; no homozygotes.

Submissions (3):

Labcorp Genetics (formerly Invitae), Labcorp
Classification: Likely benign for Neuronopathy, distal hereditary motor, autosomal recessive 4; Charcot-Marie-Tooth disease recessive intermediate C. Last evaluated: 2025-03-31. Review status: criteria provided, single submitter. Criteria: Invitae Variant Classification Sherloc (09022015). Collection method: clinical testing. Allele origin: germline.

Ambry Genetics
Classification: Likely benign for Inborn genetic diseases. Last evaluated: 2019-07-11. Review status: criteria provided, single submitter. Criteria: Ambry Variant Classification Scheme 2023. Collection method: clinical testing. Allele origin: germline.

GeneDx
Classification: Likely benign. Last evaluated: 2016-09-29. Review status: criteria provided, single submitter. Criteria: GeneDx Variant Classification (06012015). Collection method: clinical testing. Allele origin: germline. Affected: yes.
Comment: This variant is considered likely benign or benign based on one or more of the following criteria: it is a conservative change, it occurs at a poorly conserved position in the protein, it is predicted to be benign by multiple in silico algorithms, and/or has population frequency not consistent with disease.

NM_020631.6(PLEKHG5):c.1530C>T (p.Ala510=)

Gene: PLEKHG5 (pleckstrin homology and RhoGEF domain containing G5; minus strand). Cytogenetic location: 1p36.31.
Variant type: single nucleotide variant.
Coding change: c.1530C>T on transcript NM_020631.6 (MANE Select); coding-DNA position 1530, C replaced by T.
Protein change: p.Ala510=; no amino-acid change (alanine 510 retained).
Molecular consequence: synonymous variant.
Genome position (GRCh38, 1-based): chr1:6,470,747, G>A on the plus strand (C>T on the coding strand, the complement: PLEKHG5 is on the minus strand). VCF-style: chr1-6470747-G-A. GRCh37 (hg19) VCF-style: chr1-6530807-G-A.
Other names: c.1641C>T, p.Ala547= (NM_001042663.3, NM_001265592.2); c.1530C>T, p.Ala510= (NM_001042664.2, NM_001042665.2, NM_001265594.3 and 1 more transcripts); c.1737C>T, p.Ala579= (NM_001265593.2).
Identifiers: ClinVar variation 389525 (VCV000389525.14), dbSNP rs61734080, ClinGen allele CA561495.